The following is an entry in ClinVar:

ClinVar aggregate classification (germline): Conflicting classifications of pathogenicity. Review status: criteria provided, conflicting classifications (1 of 4 stars). 2 submissions from 2 submitters: Uncertain significance (1); Likely benign (1). Last evaluated 2024-12-02.

Conditions:
Hereditary cancer-predisposing syndrome. Also called: Neoplastic Syndromes, Hereditary; Hereditary Cancer Syndrome; Tumor predisposition; Hereditary neoplastic syndrome. Identifiers: Orphanet 140162, MedGen C0027672, MeSH D009386, MONDO:0015356.
Bloom syndrome (BLM). Also called: Bloom-Torre-Machacek syndrome. Identifiers: Orphanet 125, MedGen C0005859, MONDO:0008876, OMIM 210900.

Allele frequency attached by ClinVar (database versions not stated): TOPMed below 0.00001.

Submissions (2):

Ambry Genetics
Classification: Likely benign for Hereditary cancer-predisposing syndrome. Last evaluated: 2024-12-02. Review status: criteria provided, single submitter. Criteria: Ambry Variant Classification Scheme 2023. Collection method: clinical testing. Allele origin: germline.

Labcorp Genetics (formerly Invitae), Labcorp
Classification: Uncertain significance for Bloom syndrome. Last evaluated: 2019-03-29. Review status: criteria provided, single submitter. Criteria: Invitae Variant Classification Sherloc (09022015). Collection method: clinical testing. Allele origin: germline.
Comment: In summary, the available evidence is currently insufficient to determine the role of this variant in disease. Therefore, it has been classified as a Variant of Uncertain Significance. Algorithms developed to predict the effect of missense changes on protein structure and function output the following: SIFT: "Tolerated"; PolyPhen-2: "Benign"; Align-GVGD: "Class C0". The threonine amino acid residue is found in multiple mammalian species, suggesting that this missense change does not adversely affect protein function. These predictions have not been confirmed by published functional studies and their clinical significance is uncertain. This variant has not been reported in the literature in individuals with BLM-related disease. This variant is not present in population databases (ExAC no frequency). This sequence change replaces alanine with threonine at codon 196 of the BLM protein (p.Ala196Thr). The alanine residue is weakly conserved and there is a small physicochemical difference between alanine and threonine.

NM_000057.4(BLM):c.586G>A (p.Ala196Thr)

Gene: BLM (BLM RecQ like helicase; plus strand). Cytogenetic location: 15q26.1.
Variant type: single nucleotide variant.
Coding change: c.586G>A on transcript NM_000057.4 (MANE Select); coding-DNA position 586, G replaced by A.
Protein change: p.Ala196Thr; replaces alanine 196 with threonine.
Molecular consequence: missense variant. On other transcripts: 5 prime UTR variant (1).
Genome position (GRCh38, 1-based): chr15:90,749,854, G>A. VCF-style: chr15-90749854-G-A. GRCh37 (hg19) VCF-style: chr15-91293084-G-A.
Other names: c.586G>A, p.Ala196Thr (NM_001287246.2, NM_001287247.2); c.-706G>A (NM_001287248.2); c.586G>A (NM_000057.2); short protein forms A196T.
Identifiers: ClinVar variation 572280 (VCV000572280.13), dbSNP rs1567035597, ClinGen allele CA393841113.